The following is an entry in ClinVar:

ClinVar aggregate classification (germline): Conflicting classifications of pathogenicity. Review status: criteria provided, conflicting classifications (1 of 4 stars). 4 submissions from 4 submitters: Uncertain significance (2); Likely benign (1). 1 of the submissions does not count toward it. Last evaluated 2021-08-10.

Conditions:
Bainbridge-Ropers syndrome. Also called: Severe feeding difficulties-failure to thrive-microcephaly due to ASXL3 deficiency syndrome. Identifiers: Orphanet 352577, MedGen C4750837, MONDO:0014205, OMIM 615485.
ASXL3-related disorder. Also called: ASXL3-related condition. Identifiers: MedGen CN381524.
Inborn genetic diseases. Identifiers: MedGen C0950123, MeSH D030342.

Allele frequency attached by ClinVar (database versions not stated): gnomAD exomes 0.00011; gnomAD 0.00013 and 0.00011; ExAC 0.00008; ESP Exome Variant Server 0.00016; TOPMed 0.00014.
gnomAD v4.1: 555 of 1,611,322 alleles (0.034%); highest among the groups gnomAD compares: Non-Finnish European, 0.045%; no homozygotes.

Submissions (4):

Ambry Genetics
Classification: Likely benign for Inborn genetic diseases. Last evaluated: 2021-08-10. Review status: criteria provided, single submitter. Criteria: Ambry Variant Classification Scheme 2023. Collection method: clinical testing. Allele origin: germline.

Revvity Omics, Revvity
Classification: Uncertain significance for Bainbridge-Ropers syndrome. Last evaluated: 2020-12-10. Review status: criteria provided, single submitter. Criteria: ACMG Guidelines, 2015. Collection method: clinical testing. Allele origin: germline.

Genetic Services Laboratory, University of Chicago
Classification: Uncertain significance. Last evaluated: 2018-06-08. Review status: criteria provided, single submitter. Criteria: ACMG Guidelines, 2015. Collection method: clinical testing. Allele origin: germline. Affected: no.

PreventionGenetics, part of Exact Sciences
Classification: Likely benign for ASXL3-related condition. Last evaluated: 2024-07-29. Review status: no assertion criteria provided. Collection method: clinical testing. Allele origin: germline. Not counted in ClinVar's aggregate classification.
Comment: This variant is classified as likely benign based on ACMG/AMP sequence variant interpretation guidelines (Richards et al. 2015 PMID: 25741868, with internal and published modifications).

NM_030632.3(ASXL3):c.4845G>T (p.Arg1615Ser)

Gene: ASXL3 (ASXL transcriptional regulator 3; plus strand). Cytogenetic location: 18q12.1.
Variant type: single nucleotide variant.
Coding change: c.4845G>T on transcript NM_030632.3 (MANE Select); coding-DNA position 4845, G replaced by T.
Protein change: p.Arg1615Ser; replaces arginine 1615 with serine.
Molecular consequence: missense variant.
Genome position (GRCh38, 1-based): chr18:33,744,693, G>T. VCF-style: chr18-33744693-G-T. GRCh37 (hg19) VCF-style: chr18-31324657-G-T.
Other names: c.4845G>T (NM_030632.2); short protein forms R1615S.
Identifiers: ClinVar variation 1336759 (VCV001336759.10), dbSNP rs199888171, ClinGen allele CA8934339.